The following is an entry in ClinVar:

ClinVar aggregate classification (germline): Uncertain significance. Review status: criteria provided, multiple submitters, no conflicts (2 of 4 stars). 2 submissions from 2 submitters: Uncertain significance (2). Last evaluated 2024-11-19.

Conditions:
Spastic paraplegia. Identifiers: MedGen C0037772, HP:0001258.

Allele frequency attached by ClinVar (database versions not stated): 1000 Genomes Project 30x 0.00016; 1000 Genomes Project 0.00020.

Submissions (2):

Blueprint Genetics
Classification: Uncertain significance. Last evaluated: 2024-11-19. Review status: criteria provided, single submitter. Criteria: ACMG Guidelines, 2015. Collection method: clinical testing. Allele origin: germline.

Labcorp Genetics (formerly Invitae), Labcorp
Classification: Uncertain significance for Spastic paraplegia. Last evaluated: 2024-09-28. Review status: criteria provided, single submitter. Criteria: Invitae Variant Classification Sherloc (09022015). Collection method: clinical testing. Allele origin: germline.
Comment: This sequence change replaces arginine, which is basic and polar, with tryptophan, which is neutral and slightly polar, at codon 1009 of the ZFYVE26 protein (p.Arg1009Trp). This variant is present in population databases (rs374605354, gnomAD 0.2%), including at least one homozygous and/or hemizygous individual. This variant has not been reported in the literature in individuals affected with ZFYVE26-related conditions. ClinVar contains an entry for this variant (Variation ID: 527991). An algorithm developed to predict the effect of missense changes on protein structure and function (PolyPhen-2) suggests that this variant is likely to be disruptive. In summary, the available evidence is currently insufficient to determine the role of this variant in disease. Therefore, it has been classified as a Variant of Uncertain Significance.

NM_015346.4(ZFYVE26):c.3025C>T (p.Arg1009Trp)

Gene: ZFYVE26 (zinc finger FYVE-type containing 26; minus strand). Cytogenetic location: 14q24.1.
Variant type: single nucleotide variant.
Coding change: c.3025C>T on transcript NM_015346.4 (MANE Select); coding-DNA position 3025, C replaced by T.
Protein change: p.Arg1009Trp; replaces arginine 1009 with tryptophan.
Molecular consequence: missense variant.
Genome position (GRCh38, 1-based): chr14:67,786,228, G>A on the plus strand (C>T on the coding strand, the complement: ZFYVE26 is on the minus strand). VCF-style: chr14-67786228-G-A. GRCh37 (hg19) VCF-style: chr14-68252945-G-A.
Other names: short protein forms R1009W.
Identifiers: ClinVar variation 527991 (VCV000527991.6), dbSNP rs374605354, ClinGen allele CA7240089.